The following is an entry in ClinVar:

NM_000108.5(DLD):c.1236+5G>A

Gene: DLD (dihydrolipoamide dehydrogenase; plus strand). Cytogenetic location: 7q31.1.
Variant type: single nucleotide variant.
Coding change: c.1236+5G>A on transcript NM_000108.5 (MANE Select); 5 bases into the intron after coding-DNA position 1236, G replaced by A.
Molecular consequence: intron variant.
Genome position (GRCh38, 1-based): chr7:107,917,467, G>A. VCF-style: chr7-107917467-G-A. GRCh37 (hg19) VCF-style: chr7-107557912-G-A.
Other names: c.1092+5G>A (NM_001289752.1); c.1167+5G>A (NM_001289751.1); c.939+5G>A (NM_001289750.1).
Identifiers: ClinVar variation 2202239 (VCV002202239.2), dbSNP rs762832552, ClinGen allele CA4434646.
Genomic context (GRCh38, chr7:107,917,467, plus strand): 5'-ACACACACCCTGAAGTTGCTTGGGTTGGCAAATCAGAAGAGCAGTTGAAAGAAGAGGTAA[G>A]TCTGAACATGGGTGGTTTTAAGCCAATGTGTGAGTTGTGCCAATGACATTGGTGGTTGAG-3'

ClinVar aggregate classification (germline): Uncertain significance. Review status: criteria provided, multiple submitters, no conflicts (2 of 4 stars). 2 submissions from 2 submitters: Uncertain significance (2). Last evaluated 2026-05-10.

Conditions:
Pyruvate dehydrogenase E3 deficiency (DLDD). Also called: Lipoamide dehydrogenase deficiency, lactic acidosis due to; Lipoamide dehydrogenase deficiency; Dihydrolipoamide Dehydrogenase Deficiency; MAPLE SYRUP URINE DISEASE, TYPE III; Dihydrolipoamide Dehydrogenase (E3) Deficiency; DLD DEFICIENCY. Identifiers: Orphanet 2394, Orphanet 765, MedGen C5574660, MONDO:0009529, OMIM 246900.

Allele frequency attached by ClinVar (database versions not stated): gnomAD exomes 0.00001; ExAC 0.00001.

Submissions (2):

Women's Health and Genetics/Laboratory Corporation of America, LabCorp
Classification: Uncertain significance. Last evaluated: 2026-05-10. Review status: criteria provided, single submitter. Criteria: LabCorp Variant Classification Summary - May 2015. Collection method: clinical testing. Allele origin: germline.

Labcorp Genetics (formerly Invitae), Labcorp
Classification: Uncertain significance for Pyruvate dehydrogenase E3 deficiency. Last evaluated: 2022-08-22. Review status: criteria provided, single submitter. Criteria: Invitae Variant Classification Sherloc (09022015). Collection method: clinical testing. Allele origin: germline.
Comment: This sequence change falls in intron 11 of the DLD gene. It does not directly change the encoded amino acid sequence of the DLD protein. It affects a nucleotide within the consensus splice site. This variant is present in population databases (rs762832552, gnomAD 0.002%). This variant has not been reported in the literature in individuals affected with DLD-related conditions. Variants that disrupt the consensus splice site are a relatively common cause of aberrant splicing (PMID: 17576681, 9536098). Algorithms developed to predict the effect of sequence changes on RNA splicing suggest that this variant is not likely to affect RNA splicing. In summary, the available evidence is currently insufficient to determine the role of this variant in disease. Therefore, it has been classified as a Variant of Uncertain Significance.

Literature cited by the submitters: PubMed 17576681 (cited by Labcorp Genetics (formerly Invitae), Labcorp); PubMed 9536098 (cited by Labcorp Genetics (formerly Invitae), Labcorp).